The following is an entry in ClinVar:

NM_182641.4(BPTF):c.8361A>T (p.Pro2787=)

Gene: BPTF (bromodomain PHD finger transcription factor; plus strand). Cytogenetic location: 17q24.2.
Variant type: single nucleotide variant.
Coding change: c.8361A>T on transcript NM_182641.4 (MANE Select); coding-DNA position 8361, A replaced by T.
Protein change: p.Pro2787=; no amino-acid change (proline 2787 retained).
Molecular consequence: synonymous variant.
Genome position (GRCh38, 1-based): chr17:67,964,311, A>T. VCF-style: chr17-67964311-A-T. GRCh37 (hg19) VCF-style: chr17-65960427-A-T.
Other names: c.8550A>T, p.Pro2850= (NM_001439139.1); c.8484A>T, p.Pro2828= (NM_001439140.1); c.8457A>T, p.Pro2819= (NM_001439141.1); c.8310A>T, p.Pro2770= (NM_001439142.1, NM_004459.7); c.8121A>T, p.Pro2707= (NM_001439143.1, NM_001439144.1).
Identifiers: ClinVar variation 4855295 (VCV004855295.1).

ClinVar aggregate classification (germline): Uncertain significance (1 of 4 stars; one submission).

Conditions:
Neurodevelopmental disorder with dysmorphic facies and distal limb anomalies. Identifiers: Orphanet 686482, MedGen C4540327, MONDO:0060596, OMIM 617755.

gnomAD v4.1: 1 of 1,614,214 alleles (0.000062%); highest among the groups gnomAD compares: East Asian, 0.0022%; no homozygotes.

Submission:

3billion
Classification: Uncertain significance for Neurodevelopmental disorder with dysmorphic facies and distal limb anomalies. Last evaluated: 2026-01-08. Review status: criteria provided, single submitter. Criteria: ACMG Guidelines, 2015. Collection method: clinical testing. Allele origin: germline. Affected: yes.
Comment: The variant is observed at an extremely low frequency in the gnomAD v4.1.0 dataset (total allele frequency: <0.001%). Predicted Consequence/Location: Synonymous variant In silico tools predict the variant to alter splicing and produce an abnormal transcript [SpliceAI: 0.38 (>=0.2, moderate evidence for spliceogenicity)]. Therefore, this variant is classified as VUS according to the recommendation of ACMG/AMP guideline.